The following is an entry in ClinVar:

ClinVar aggregate classification (germline): Uncertain significance (1 of 4 stars; one submission).

Submission:

GeneDx
Classification: Uncertain significance. Last evaluated: 2024-11-27. Review status: criteria provided, single submitter. Criteria: GeneDx Variant Classification Process June 2021. Collection method: clinical testing. Allele origin: germline. Affected: yes.
Comment: Not observed at significant frequency in large population cohorts (gnomAD); In silico analysis supports that this missense variant has a deleterious effect on protein structure/function; Has not been previously published as pathogenic or benign to our knowledge

NM_001378183.1(PIEZO2):c.6308A>T (p.Asn2103Ile)

Gene: PIEZO2 (piezo type mechanosensitive ion channel component 2; minus strand). Cytogenetic location: 18p11.22.
Variant type: single nucleotide variant.
Coding change: c.6308A>T on transcript NM_001378183.1 (MANE Select); coding-DNA position 6308, A replaced by T.
Protein change: p.Asn2103Ile; replaces asparagine 2103 with isoleucine.
Molecular consequence: missense variant.
Genome position (GRCh38, 1-based): chr18:10,702,122, T>A on the plus strand (A>T on the coding strand, the complement: PIEZO2 is on the minus strand). VCF-style: chr18-10702122-T-A. GRCh37 (hg19) VCF-style: chr18-10702120-T-A.
Other names: c.6044A>T, p.Asn2015Ile (NM_001410871.1); c.5969A>T, p.Asn1990Ile (NM_022068.4); short protein forms N1990I, N2015I, N2103I.
Identifiers: ClinVar variation 3900925 (VCV003900925.1).
Genomic context (GRCh38, chr18:10,702,122, plus strand): 5'-TCCACTCCTATGATGTTTGGGGGGTGATACGGTTTATCTTTGTTCACCTCCACATTCTTA[T>A]TCCAGGGAAAGAACCCAAATTGGAAGAAATACTTGACTACAATTGCCACCTACGCACAGA-3'
Protein context (NP_001365112.1, residues 2093-2113): YFFQFGFFPW[Asn2103Ile]KNVEVNKDKP